The following is an entry in ClinVar:

ClinVar aggregate classification (germline): Pathogenic (1 of 4 stars; one submission).

Conditions:
Developmental and epileptic encephalopathy. Identifiers: MedGen C5779964, MONDO:0100620.

Submission:

Labcorp Genetics (formerly Invitae), Labcorp
Classification: Pathogenic for Early-infantile DEE. Last evaluated: 2022-08-24. Review status: criteria provided, single submitter. Criteria: Invitae Variant Classification Sherloc (09022015). Collection method: clinical testing. Allele origin: germline.
Comment: This variant is a gross deletion of the genomic region encompassing exon(s) 12-17 of the KCNQ2 gene, which includes the termination codon. This deletion extends beyond the assayed region for this gene and therefore may encompass additional genes. While this deletion is not anticipated to lead to nonsense mediated decay, it is expected to alter mRNA translation or result in a truncated protein product. This variant has not been reported in the literature in individuals affected with KCNQ2-related conditions. The region of the KCNQ2 gene that includes exon(s) 13-15 has been determined to be clinically significant (PMID: 17675531, 28940419). Therefore, deletions that encompass that region are likely to be disease-causing. For these reasons, this variant has been classified as Pathogenic.

Literature cited by the submitters: PubMed 17675531; PubMed 28940419.

NC_000020.10:g.(?_62037997)_(62051045_?)del

Gene: KCNQ2 (potassium voltage-gated channel subfamily Q member 2; minus strand). Cytogenetic location: 20q13.33.
Variant type: Deletion.
Identifiers: ClinVar variation 2427486 (VCV002427486.3).